The following is an entry in ClinVar:

NM_001560.3(IL13RA1):c.117T>C (p.Ser39=)

Gene: IL13RA1 (interleukin 13 receptor subunit alpha 1; plus strand). Cytogenetic location: Xq24.
Variant type: single nucleotide variant.
Coding change: c.117T>C on transcript NM_001560.3 (MANE Select); coding-DNA position 117, T replaced by C.
Protein change: p.Ser39=; no amino-acid change (serine 39 retained).
Molecular consequence: synonymous variant.
Genome position (GRCh38, 1-based): chrX:118,741,045, T>C. VCF-style: chrX-118741045-T-C. GRCh37 (hg19) VCF-style: chrX-117875008-T-C.
Identifiers: ClinVar variation 2661272 (VCV002661272.24), dbSNP rs183467302, ClinGen allele CA10499887.
Genomic context (GRCh38, chrX:118,741,045, plus strand): 5'-AATTCATTTTTTTTTGTCCTTGATTTGAACAGAAACTCAGCCACCTGTGACAAATTTGAG[T>C]GTCTCTGTTGAAAACCTCTGCACAGTAATATGGACATGGAATCCACCCGAGGGAGCCAGC-3'
Protein context (NP_001551.1, residues 29-49): TETQPPVTNL[Ser39=]VSVENLCTVI

ClinVar aggregate classification (germline): Likely benign (1 of 4 stars; one submission).

Allele frequency attached by ClinVar (database versions not stated): 1000 Genomes Project 30x 0.00042; 1000 Genomes Project 0.00053.
gnomAD v4.1: 322 of 1,115,223 alleles (0.029%); highest among the groups gnomAD compares: East Asian, 0.95%; 1 homozygote.

Submission:

CeGaT Center for Human Genetics Tuebingen
Classification: Likely benign. Last evaluated: 2023-04-01. Review status: criteria provided, single submitter. Criteria: CeGaT Center For Human Genetics Tuebingen Variant Classification Criteria Version 2. Collection method: clinical testing. Allele origin: germline. Affected: yes. Observed: 1 variant allele.
Comment: IL13RA1: BP4, BP7, BS2